The following is an entry in ClinVar:

ClinVar aggregate classification (germline): Uncertain significance (1 of 4 stars; one submission).

Conditions:
Malignant hyperthermia, susceptibility to, 1 (MHS1). Also called: Anesthesia related hyperthermia; Malignant hyperpyrexia; Fulminating hyperpyrexia; Pharmacogenic myopathy; RYR1-Related Malignant Hyperthermia Susceptibility; Malignant hyperthermia suceptibility 1. Identifiers: Orphanet 423, MedGen C2930980, MONDO:0007783, OMIM 145600.

Submission:

All of Us Research Program, National Institutes of Health
Classification: Uncertain significance for Malignant hyperthermia, susceptibility to, 1. Last evaluated: 2023-11-20. Review status: criteria provided, single submitter. Criteria: ACMG Guidelines, 2015. Collection method: clinical testing. Allele origin: germline. Inheritance: Autosomal dominant inheritance. Observed: 1 variant allele, 1 heterozygote.
Comment: This missense variant replaces leucine with arginine at codon 1815 of the RYR1 protein. Computational prediction suggests that this variant may have deleterious impact on protein structure and function (internally defined REVEL score threshold >= 0.7, PMID: 27666373). To our knowledge, functional studies have not been reported for this variant. This variant has not been reported in individuals affected with RYR1-related disorders in the literature. This variant has not been identified in the general population by the Genome Aggregation Database (gnomAD). The available evidence is insufficient to determine the role of this variant in disease conclusively. Therefore, this variant is classified as a Variant of Uncertain Significance.

This study involves interpretation of variants in research participants for the purpose of population health screening. Participant phenotype was not available at the time of variant classification. Additional details can be found in publication PMID: 35346344, PMCID: PMC8962531

NM_000540.3(RYR1):c.5444T>G (p.Leu1815Arg)

Gene: RYR1 (ryanodine receptor 1; plus strand). Cytogenetic location: 19q13.2.
Variant type: single nucleotide variant.
Coding change: c.5444T>G on transcript NM_000540.3 (MANE Select); coding-DNA position 5444, T replaced by G.
Protein change: p.Leu1815Arg; replaces leucine 1815 with arginine.
Molecular consequence: missense variant.
Genome position (GRCh38, 1-based): chr19:38,486,099, T>G. VCF-style: chr19-38486099-T-G. GRCh37 (hg19) VCF-style: chr19-38976739-T-G.
Other names: c.5444T>G, p.Leu1815Arg (NM_001042723.2); short protein forms L1815R.
Identifiers: ClinVar variation 3074637 (VCV003074637.1), dbSNP rs2514230257, ClinGen allele CA405655333.